The following is an entry in ClinVar:

NM_000531.6(OTC):c.548A>G (p.Tyr183Cys)

Gene: OTC (ornithine transcarbamylase; plus strand). Cytogenetic location: Xp11.4.
Variant type: single nucleotide variant.
Coding change: c.548A>G on transcript NM_000531.6 (MANE Select); coding-DNA position 548, A replaced by G.
Protein change: p.Tyr183Cys; replaces tyrosine 183 with cysteine.
Molecular consequence: missense variant.
Genome position (GRCh38, 1-based): chrX:38,403,625, A>G. VCF-style: chrX-38403625-A-G. GRCh37 (hg19) VCF-style: chrX-38262878-A-G.
Other names: short protein forms Y183C.
Identifiers: ClinVar variation 97247 (VCV000097247.49), dbSNP rs72556293, ClinGen allele CA224679.

ClinVar aggregate classification (germline): Pathogenic. Review status: criteria provided, multiple submitters, no conflicts (2 of 4 stars). 3 submissions from 3 submitters: Pathogenic (2). 1 of the submissions does not count toward it. Last evaluated 2022-05-08.

Conditions:
Ornithine carbamoyltransferase deficiency (OTCD). Also called: OTC DEFICIENCY; Ornithine Carbamoyltransferase Deficiency Disease; ORNITHINE TRANSCARBAMYLASE DEFICIENCY; ORNITHINE TRANSCARBAMYLASE DEFICIENCY, HYPERAMMONEMIA DUE TO. Identifiers: Orphanet 664, MedGen C0268542, MONDO:0010703, OMIM 311250.

Submissions (3):

Labcorp Genetics (formerly Invitae), Labcorp
Classification: Pathogenic for Ornithine carbamoyltransferase deficiency. Last evaluated: 2022-05-08. Review status: criteria provided, single submitter. Criteria: Invitae Variant Classification Sherloc (09022015). Collection method: clinical testing. Allele origin: germline.
Comment: For these reasons, this variant has been classified as Pathogenic. Advanced modeling of protein sequence and biophysical properties (such as structural, functional, and spatial information, amino acid conservation, physicochemical variation, residue mobility, and thermodynamic stability) performed at Invitae indicates that this missense variant is expected to disrupt OTC protein function. ClinVar contains an entry for this variant (Variation ID: 97247). This missense change has been observed in individual(s) with ornithine transcarbamylase deficiency (PMID: 8260194, 23278509, 25994866). This variant is not present in population databases (gnomAD no frequency). This sequence change replaces tyrosine, which is neutral and polar, with cysteine, which is neutral and slightly polar, at codon 183 of the OTC protein (p.Tyr183Cys).

CeGaT Center for Human Genetics Tuebingen
Classification: Pathogenic. Last evaluated: 2019-11-01. Review status: criteria provided, single submitter. Criteria: CeGaT Center For Human Genetics Tuebingen Variant Classification Criteria Version 2. Collection method: clinical testing. Allele origin: germline. Affected: yes. Observed: 1 variant allele.

GenMed Metabolism Lab
Classification: Pathogenic. Review status: no assertion criteria provided. Collection method: not provided. Allele origin: unknown. Not counted in ClinVar's aggregate classification.
Comment: p.Tyr183Cys, Neonatal
ClinVar note: Converted during submission from pathogenic to Pathogenic.

Literature cited by the submitters: PubMed 8260194 (cited by Labcorp Genetics (formerly Invitae), Labcorp); PubMed 23278509 (cited by Labcorp Genetics (formerly Invitae), Labcorp); PubMed 25994866 (cited by Labcorp Genetics (formerly Invitae), Labcorp).